The following is an entry in ClinVar:

NM_001378454.1(ALMS1):c.8882C>T (p.Pro2961Leu)

Gene: ALMS1 (ALMS1 centrosome and basal body associated protein; plus strand). Cytogenetic location: 2p13.1.
Variant type: single nucleotide variant.
Coding change: c.8882C>T on transcript NM_001378454.1 (MANE Select); coding-DNA position 8882, C replaced by T.
Protein change: p.Pro2961Leu; replaces proline 2961 with leucine.
Molecular consequence: missense variant.
Genome position (GRCh38, 1-based): chr2:73,490,841, C>T. VCF-style: chr2-73490841-C-T. GRCh37 (hg19) VCF-style: chr2-73717968-C-T.
Other names: c.8885C>T, p.Pro2962Leu (NM_015120.4); short protein forms P2962L, P2961L.
Identifiers: ClinVar variation 529391 (VCV000529391.14), dbSNP rs781477502, ClinGen allele CA1714561.
Genomic context (GRCh38, chr2:73,490,841, plus strand): 5'-AAATGAGAGAAAACCATTCTCCCCTTCCTCAAGGTCAGGATTCTATAGCTTCAGACCTTC[C>T]GTCTCCCATTTCTCTTGAACAATGCCAAAGCAAAGCGCCAGGTGTAGATGACCAAATGAA-3'
Protein context (NP_001365383.1, residues 2951-2971): QGQDSIASDL[Pro2961Leu]SPISLEQCQS

ClinVar aggregate classification (germline): Uncertain significance. Review status: criteria provided, multiple submitters, no conflicts (2 of 4 stars). 6 submissions from 6 submitters: Uncertain significance (5). 1 of the submissions does not count toward it. Last evaluated 2025-04-15.

Conditions:
Cardiovascular phenotype. Identifiers: MedGen CN230736.
Alstrom syndrome (ALMS). Identifiers: Orphanet 64, MedGen C0268425, MONDO:0008763, OMIM 203800.

Allele frequency attached by ClinVar (database versions not stated): gnomAD exomes 0.00002 and 0.00001; ExAC 0.00003; TOPMed 0.00003.
gnomAD v4.1: 20 of 1,613,886 alleles (0.0012%); highest among the groups gnomAD compares: East Asian, 0.0067%; no homozygotes.

Submissions (6):

GeneDx
Classification: Uncertain significance. Last evaluated: 2025-04-15. Review status: criteria provided, single submitter. Criteria: GeneDx Variant Classification Process June 2021. Collection method: clinical testing. Allele origin: germline. Affected: yes.
Comment: Not observed at significant frequency in large population cohorts (gnomAD); In silico analysis supports that this missense variant has a deleterious effect on protein structure/function; Has not been previously published as pathogenic or benign to our knowledge

Ambry Genetics
Classification: Uncertain significance for Cardiovascular phenotype. Last evaluated: 2023-11-27. Review status: criteria provided, single submitter. Criteria: Ambry Variant Classification Scheme 2023. Collection method: clinical testing. Allele origin: germline.
Comment: The p.P2962L variant (also known as c.8885C>T), located in coding exon 10 of the ALMS1 gene, results from a C to T substitution at nucleotide position 8885. The proline at codon 2962 is replaced by leucine, an amino acid with similar properties. This variant (referred to as c.8879C>T, p.P2960L) was detected in trans with a second ALMS1 variant in members of a family with Chediak&ndash;Higashi syndrome; however, affected members were also compound heterozygous (in trans) for frameshift and nonsense variants in the LYST gene which were considered as causative of the observed phenotype (Jin Y et al, 2017 02;7:41308). This amino acid position is highly conserved in available vertebrate species. In addition, this alteration is predicted to be tolerated by in silico analysis. Since supporting evidence is limited at this time, the clinical significance of this alteration remains unclear.

Fulgent Genetics
Classification: Uncertain significance for Alstrom syndrome. Last evaluated: 2022-04-23. Review status: criteria provided, single submitter. Criteria: ACMG Guidelines, 2015. Collection method: clinical testing. Allele origin: unknown.

Labcorp Genetics (formerly Invitae), Labcorp
Classification: Uncertain significance for Alstrom syndrome. Last evaluated: 2022-04-08. Review status: criteria provided, single submitter. Criteria: Invitae Variant Classification Sherloc (09022015). Collection method: clinical testing. Allele origin: germline.
Comment: This sequence change replaces proline, which is neutral and non-polar, with leucine, which is neutral and non-polar, at codon 2962 of the ALMS1 protein (p.Pro2962Leu). This variant is present in population databases (rs781477502, gnomAD 0.007%). This variant has not been reported in the literature in individuals affected with ALMS1-related conditions. ClinVar contains an entry for this variant (Variation ID: 529391). In summary, the available evidence is currently insufficient to determine the role of this variant in disease. Therefore, it has been classified as a Variant of Uncertain Significance.

Clinical Genomics Laboratory, Stanford Medicine
Classification: Uncertain significance for Alstrom syndrome. Last evaluated: 2021-08-30. Review status: criteria provided, single submitter. Criteria: ACMG Guidelines, 2015. Collection method: clinical testing. Allele origin: germline. Observed: 1 variant allele, 1 heterozygote.
Comment: The p.Pro2962Leu (also referred to as p.Pro2960Leu) variant in the ALMS1 gene has not been previously reported in association with disease. This variant has been identified in 5/249,384 chromosomes by the Genome Aggregation Database. Previously reported disease-causing variants in ALMS1 have been primarily truncating variants, whereas this variant results in a single amino acid substitution. The significance of this type of variation in the ALMS1 gene is currently unclear. Computational tools predict that this variant does not impact protein function; however, the accuracy of in silico algorithms is limited. In summary, the available evidence is currently insufficient to determine the role of this variant in disease. Therefore, it has been classified as a Variant of Uncertain Significance. [ACMG evidence codes used: PM2; BP4]

Natera, Inc.
Classification: Uncertain significance for Alstrom syndrome. Last evaluated: 2021-01-18. Review status: no assertion criteria provided. Collection method: clinical testing. Allele origin: germline. Not counted in ClinVar's aggregate classification.

Literature cited by the submitters: PubMed 28145517 (cited by Ambry Genetics).